The following is an entry in ClinVar:

ClinVar aggregate classification (germline): Uncertain significance (1 of 4 stars; one submission).

Conditions:
Hereditary cancer-predisposing syndrome. Also called: Hereditary Cancer Syndrome; Hereditary neoplastic syndrome; Neoplastic Syndromes, Hereditary; Tumor predisposition. Identifiers: Orphanet 140162, MedGen C0027672, MeSH D009386, MONDO:0015356.

Submission:

Sema4
Classification: Uncertain significance for Hereditary cancer-predisposing syndrome. Last evaluated: 2021-08-25. Review status: criteria provided, single submitter. Criteria: Sema4 Curation Guidelines. Collection method: curation. Allele origin: germline.
Comment: The TSC1 c.773A>T (p.E258V) variant has not been reported in the literature to our knowledge. It was not observed in the large and broad cohorts of the Genome Aggregation Database. The variant has not been reported in ClinVar. In silico tools suggest the impact of the variant on protein function is deleterious, though these predictions have not been confirmed by functional studies. The evidence is insufficient to meet ACMG/AMP criteria for classifying the variant as benign or pathogenic. Thus, the clinical significance of this variant is currently uncertain.

NM_000368.5(TSC1):c.773A>T (p.Glu258Val)

Gene: TSC1 (TSC complex subunit 1; minus strand). Cytogenetic location: 9q34.13.
Variant type: single nucleotide variant.
Coding change: c.773A>T on transcript NM_000368.5 (MANE Select); coding-DNA position 773, A replaced by T.
Protein change: p.Glu258Val; replaces glutamic acid 258 with valine.
Molecular consequence: missense variant.
Genome position (GRCh38, 1-based): chr9:132,912,422, T>A on the plus strand (A>T on the coding strand, the complement: TSC1 is on the minus strand). VCF-style: chr9-132912422-T-A. GRCh37 (hg19) VCF-style: chr9-135787809-T-A.
Other names: c.773A>T, p.Glu258Val (NM_001162426.2); c.620A>T, p.Glu207Val (NM_001162427.2); c.410A>T, p.Glu137Val (NM_001362177.2); short protein forms E137V, E207V, E258V.
Identifiers: ClinVar variation 1692412 (VCV001692412.1), dbSNP rs2132004581, ClinGen allele CA375369591.